The following is an entry in ClinVar:

NM_024408.4(NOTCH2):c.7129C>A (p.Pro2377Thr)

Gene: NOTCH2 (notch receptor 2; minus strand). Cytogenetic location: 1p12.
Variant type: single nucleotide variant.
Coding change: c.7129C>A on transcript NM_024408.4 (MANE Select); coding-DNA position 7129, C replaced by A.
Protein change: p.Pro2377Thr; replaces proline 2377 with threonine.
Molecular consequence: missense variant.
Genome position (GRCh38, 1-based): chr1:119,915,593, G>T on the plus strand (C>A on the coding strand, the complement: NOTCH2 is on the minus strand). VCF-style: chr1-119915593-G-T. GRCh37 (hg19) VCF-style: chr1-120458216-G-T.
Other names: short protein forms P2377T.
Identifiers: ClinVar variation 2050244 (VCV002050244.4), dbSNP rs1277355453, ClinGen allele CA341873238.

ClinVar aggregate classification (germline): Uncertain significance (1 of 4 stars; one submission).

Conditions:
Hajdu-Cheney syndrome (HJCYS). Also called: Acroosteolysis dominant type; SERPENTINE FIBULA-POLYCYSTIC KIDNEY SYNDROME; ACROOSTEOLYSIS WITH OSTEOPOROSIS AND CHANGES IN SKULL AND MANDIBLE. Identifiers: Orphanet 955, MedGen C0917715, MONDO:0007057, OMIM 102500.

Submission:

Labcorp Genetics (formerly Invitae), Labcorp
Classification: Uncertain significance for Hajdu-Cheney syndrome. Last evaluated: 2021-12-20. Review status: criteria provided, single submitter. Criteria: Invitae Variant Classification Sherloc (09022015). Collection method: clinical testing. Allele origin: germline.
Comment: This variant has not been reported in the literature in individuals affected with NOTCH2-related conditions. This sequence change replaces proline, which is neutral and non-polar, with threonine, which is neutral and polar, at codon 2377 of the NOTCH2 protein (p.Pro2377Thr). This variant is not present in population databases (gnomAD no frequency). Advanced modeling of protein sequence and biophysical properties (such as structural, functional, and spatial information, amino acid conservation, physicochemical variation, residue mobility, and thermodynamic stability) performed at Invitae indicates that this missense variant is not expected to disrupt NOTCH2 protein function. In summary, the available evidence is currently insufficient to determine the role of this variant in disease. Therefore, it has been classified as a Variant of Uncertain Significance.